The following is an entry in ClinVar:

NM_019055.6(ROBO4):c.547G>A (p.Gly183Arg)

Gene: ROBO4 (roundabout guidance receptor 4; minus strand). Cytogenetic location: 11q24.2.
Variant type: single nucleotide variant.
Coding change: c.547G>A on transcript NM_019055.6 (MANE Select); coding-DNA position 547, G replaced by A.
Protein change: p.Gly183Arg; replaces glycine 183 with arginine.
Molecular consequence: missense variant.
Genome position (GRCh38, 1-based): chr11:124,896,524, C>T on the plus strand (G>A on the coding strand, the complement: ROBO4 is on the minus strand). VCF-style: chr11-124896524-C-T. GRCh37 (hg19) VCF-style: chr11-124766420-C-T.
Other names: c.112G>A, p.Gly38Arg (NM_001301088.2); short protein forms G183R, G38R.
Identifiers: ClinVar variation 3790120 (VCV003790120.11).

ClinVar aggregate classification (germline): Conflicting classifications of pathogenicity. Review status: criteria provided, conflicting classifications (1 of 4 stars). 2 submissions from 2 submitters: Uncertain significance (1); Likely benign (1). Last evaluated 2025-05-01.

gnomAD v4.1: 121 of 1,613,846 alleles (0.0075%); highest among the groups gnomAD compares: Non-Finnish European, 0.0094%; no homozygotes.

Submissions (2):

CeGaT Center for Human Genetics Tuebingen
Classification: Likely benign. Last evaluated: 2025-05-01. Review status: criteria provided, single submitter. Criteria: CeGaT Center For Human Genetics Tuebingen Variant Classification Criteria Version 2. Collection method: clinical testing. Allele origin: germline. Affected: yes. Observed: 1 variant allele.
Comment: ROBO4: BP4

Ambry Genetics
Classification: Uncertain significance. Last evaluated: 2024-12-20. Review status: criteria provided, single submitter. Criteria: Ambry Variant Classification Scheme 2023. Collection method: clinical testing. Allele origin: germline.